The following is an entry in ClinVar:

ClinVar aggregate classification (germline): Uncertain significance (1 of 4 stars; one submission).

Conditions:
Trichohepatoenteric syndrome 1 (THES1). Also called: DIARRHEA, FATAL INFANTILE, WITH TRICHORRHEXIS NODOSA. Identifiers: Orphanet 84064, MedGen C4551982, MONDO:0024541, OMIM 222470.

Allele frequency attached by ClinVar (database versions not stated): TOPMed below 0.00001; gnomAD 0.00001; gnomAD exomes 0.00002.
gnomAD v4.1: 33 of 1,613,520 alleles (0.002%); highest among the groups gnomAD compares: East Asian, 0.065%; no homozygotes.

Submission:

Victorian Clinical Genetics Services, Murdoch Childrens Research Institute
Classification: Uncertain significance for Trichohepatoenteric syndrome 1. Last evaluated: 2020-10-19. Review status: criteria provided, single submitter. Criteria: ACMG Guidelines, 2015. Collection method: clinical testing. Allele origin: germline. Inheritance: Autosomal recessive inheritance.
Comment: Based on the classification scheme VCGS_Germline_v1.3.3, this variant is classified as 3B-VUS. Following criteria are met: 0102 - Loss of function is a known mechanism of disease in this gene and is associated with trichohepatoenteric syndrome 1 (MIM#222470). (I) 0106 - This gene is associated with autosomal recessive disease. (I) 0200 - Variant is predicted to result in a missense amino acid change from tyrosine to histidine. (I) 0252 - This variant is homozygous. (I) 0304 - Variant is present in gnomAD (v2) <0.01 for a recessive condition (4 heterozygotes, 0 homozygotes). (SP) 0501 - Missense variant consistently predicted to be damaging by multiple in silico tools or highly conserved with a major amino acid change. 0600 - Variant is located in the annotated TPR repeat motif (NCBI). (I) 0705 - No comparable missense variants have previous evidence for pathogenicity. (I) 0807 - This variant has no previous evidence of pathogenicity. (I) 0905 - No published segregation evidence has been identified for this variant. (I) 1007 - No published functional evidence has been identified for this variant. (I) 1208 - Inheritance information for this variant is not currently available in this individual. (I) Legend: (SP) - Supporting Pathogenic, (I) – Information, (SB) – Supporting Benign

NM_014639.4(SKIC3):c.1507T>C (p.Tyr503His)

Gene: SKIC3 (SKI3 subunit of superkiller complex; minus strand). Cytogenetic location: 5q15.
Variant type: single nucleotide variant.
Coding change: c.1507T>C on transcript NM_014639.4 (MANE Select); coding-DNA position 1507, T replaced by C.
Protein change: p.Tyr503His; replaces tyrosine 503 with histidine.
Molecular consequence: missense variant.
Genome position (GRCh38, 1-based): chr5:95,523,780, A>G on the plus strand (T>C on the coding strand, the complement: SKIC3 is on the minus strand). VCF-style: chr5-95523780-A-G. GRCh37 (hg19) VCF-style: chr5-94859484-A-G.
Other names: short protein forms Y503H.
Identifiers: ClinVar variation 1806353 (VCV001806353.1), dbSNP rs1225539590, ClinGen allele CA360464107.